The following is an entry in ClinVar:

ClinVar aggregate classification (germline): Likely benign. Review status: criteria provided, multiple submitters, no conflicts (2 of 4 stars). 2 submissions from 2 submitters: Likely benign (2). Last evaluated 2026-02-01.

Conditions:
Inflammatory bowel disease 28. Also called: Inflammatory bowel disease 28, early onset, autosomal recessive. Identifiers: Orphanet 238569, MedGen C2751053, MONDO:0013153, OMIM 613148.

Allele frequency attached by ClinVar (database versions not stated): gnomAD 0.00002; gnomAD exomes 0.00002; TOPMed 0.00002.
gnomAD v4.1: 26 of 1,613,998 alleles (0.0016%); highest among the groups gnomAD compares: Non-Finnish European, 0.0022%; no homozygotes.

Submissions (2):

CeGaT Center for Human Genetics Tuebingen
Classification: Likely benign. Last evaluated: 2026-02-01. Review status: criteria provided, single submitter. Criteria: CeGaT Center For Human Genetics Tuebingen Variant Classification Criteria Version 2. Collection method: clinical testing. Allele origin: germline. Affected: yes. Observed: 1 variant allele.
Comment: IL10RA: BP4, BP7

Labcorp Genetics (formerly Invitae), Labcorp
Classification: Likely benign for Inflammatory bowel disease 28. Last evaluated: 2025-02-20. Review status: criteria provided, single submitter. Criteria: Invitae Variant Classification Sherloc (09022015). Collection method: clinical testing. Allele origin: germline.

NM_001558.4(IL10RA):c.762G>A (p.Leu254=)

Gene: IL10RA (interleukin 10 receptor subunit alpha; plus strand). Cytogenetic location: 11q23.3.
Variant type: single nucleotide variant.
Coding change: c.762G>A on transcript NM_001558.4 (MANE Select); coding-DNA position 762, G replaced by A.
Protein change: p.Leu254=; no amino-acid change (leucine 254 retained).
Molecular consequence: synonymous variant. On other transcripts: non-coding transcript variant (1).
Genome position (GRCh38, 1-based): chr11:117,995,662, G>A. VCF-style: chr11-117995662-G-A. GRCh37 (hg19) VCF-style: chr11-117866377-G-A.
Identifiers: ClinVar variation 638838 (VCV000638838.12), dbSNP rs1033025102, ClinGen allele CA229446596.